The following is an entry in ClinVar:

NM_001375567.1(FOCAD):c.4189G>A (p.Val1397Ile)

Gene: FOCAD (focadhesin; plus strand). Cytogenetic location: 9p21.3.
Variant type: single nucleotide variant.
Coding change: c.4189G>A on transcript NM_001375567.1 (MANE Select); coding-DNA position 4189, G replaced by A.
Protein change: p.Val1397Ile; replaces valine 1397 with isoleucine.
Molecular consequence: missense variant.
Genome position (GRCh38, 1-based): chr9:20,976,476, G>A. VCF-style: chr9-20976476-G-A. GRCh37 (hg19) VCF-style: chr9-20976475-G-A.
Other names: c.4084G>A, p.Val1362Ile (NM_001375568.1, NM_001375570.1); c.4189G>A, p.Val1397Ile (NM_017794.5); short protein forms V1362I, V1397I.
Identifiers: ClinVar variation 4749828 (VCV004749828.1).

ClinVar aggregate classification (germline): Uncertain significance (1 of 4 stars; one submission).

gnomAD v4.1: 1 of 1,613,298 alleles (0.000062%); highest among the groups gnomAD compares: African/African-American, 0.0013%; no homozygotes.

Submission:

Labcorp Genetics (formerly Invitae), Labcorp
Classification: Uncertain significance. Last evaluated: 2025-03-24. Review status: criteria provided, single submitter. Criteria: Invitae Variant Classification Sherloc (09022015). Collection method: clinical testing. Allele origin: germline.
Comment: This sequence change replaces valine, which is neutral and non-polar, with isoleucine, which is neutral and non-polar, at codon 1397 of the FOCAD protein (p.Val1397Ile). This variant is present in population databases (no rsID available, gnomAD 0.007%). This variant has not been reported in the literature in individuals affected with FOCAD-related conditions. Experimental studies and prediction algorithms are not available or were not evaluated, and the functional significance of this variant is currently unknown. In summary, the available evidence is currently insufficient to determine the role of this variant in disease. Therefore, it has been classified as a Variant of Uncertain Significance.